The following is an entry in ClinVar:

ClinVar aggregate classification (germline): Uncertain significance (1 of 4 stars; one submission).

Conditions:
Cardiovascular phenotype. Identifiers: MedGen CN230736.

Submission:

Ambry Genetics
Classification: Uncertain significance for Cardiovascular phenotype. Last evaluated: 2020-06-01. Review status: criteria provided, single submitter. Criteria: Ambry Variant Classification Scheme 2023. Collection method: clinical testing. Allele origin: germline.
Comment: The p.K7565T variant (also known as c.22694A>C), located in coding exon 92 of the TTN gene, results from an A to C substitution at nucleotide position 22694. The lysine at codon 7565 is replaced by threonine, an amino acid with similar properties. This amino acid position is well conserved in available vertebrate species. In addition, this alteration is predicted to be tolerated by in silico analysis. Since supporting evidence is limited at this time, the clinical significance of this alteration remains unclear.

NM_001267550.2(TTN):c.49889A>C (p.Lys16630Thr)

Genes: TTN (titin; minus strand), TTN-AS1 (TTN antisense RNA 1; plus strand). Cytogenetic location: 2q31.2.
Variant type: single nucleotide variant.
Coding change: c.49889A>C on transcript NM_001267550.2 (MANE Select); coding-DNA position 49889, A replaced by C.
Protein change: p.Lys16630Thr; replaces lysine 16630 with threonine.
Molecular consequence: missense variant.
Genome position (GRCh38, 1-based): chr2:178,612,832, T>G on the plus strand (A>C on the coding strand, the complement: TTN is on the minus strand). VCF-style: chr2-178612832-T-G. GRCh37 (hg19) VCF-style: chr2-179477559-T-G.
Other names: c.44966A>C, p.Lys14989Thr (NM_001256850.1); c.22694A>C, p.Lys7565Thr (NM_003319.4); c.42185A>C, p.Lys14062Thr (NM_133378.4); c.23069A>C, p.Lys7690Thr (NM_133432.3); c.23270A>C, p.Lys7757Thr (NM_133437.4); short protein forms K7757T, K7690T, K14062T, K14989T, K16630T, K7565T.
Identifiers: ClinVar variation 1788728 (VCV001788728.2), dbSNP rs2470561463, ClinGen allele CA349600589.